The following is an entry in ClinVar:

ClinVar aggregate classification (germline): Uncertain significance (1 of 4 stars; one submission).

Submission:

Women's Health and Genetics/Laboratory Corporation of America, LabCorp
Classification: Uncertain significance. Last evaluated: 2025-07-22. Review status: criteria provided, single submitter. Criteria: LabCorp Variant Classification Summary - May 2015. Collection method: clinical testing. Allele origin: germline.
Comment: Variant summary: DYNC1H1 c.12706G>T (p.Asp4236Tyr) results in a non-conservative amino acid change in the encoded protein sequence. Algorithms developed to predict the effect of missense changes on protein structure and function are either unavailable or do not agree on the potential impact of this missense change. The variant was absent in 251040 control chromosomes (gnomAD). The available data on variant occurrences in the general population are insufficient to allow any conclusion about variant significance. To our knowledge, no occurrence of c.12706G>T in individuals affected with Charcot-Marie-Tooth disease axonal type 2O and no experimental evidence demonstrating its impact on protein function have been reported. No submitters have cited clinical-significance assessments for this variant to ClinVar. Based on the evidence outlined above, the variant was classified as uncertain significance.

NM_001376.5(DYNC1H1):c.12706G>T (p.Asp4236Tyr)

Gene: DYNC1H1 (dynein cytoplasmic 1 heavy chain 1; plus strand). Cytogenetic location: 14q32.31.
Variant type: single nucleotide variant.
Coding change: c.12706G>T on transcript NM_001376.5 (MANE Select); coding-DNA position 12706, G replaced by T.
Protein change: p.Asp4236Tyr; replaces aspartic acid 4236 with tyrosine.
Molecular consequence: missense variant.
Genome position (GRCh38, 1-based): chr14:102,044,295, G>T. VCF-style: chr14-102044295-G-T. GRCh37 (hg19) VCF-style: chr14-102510632-G-T.
Other names: short protein forms D4236Y.
Identifiers: ClinVar variation 4525704 (VCV004525704.1).